The following is an entry in ClinVar:

ClinVar aggregate classification (germline): Uncertain significance (1 of 4 stars; one submission).

gnomAD v4.1: 3 of 1,613,224 alleles (0.00019%); highest among the groups gnomAD compares: Admixed American, 0.0017%; no homozygotes.

Submission:

CeGaT Center for Human Genetics Tuebingen
Classification: Uncertain significance. Last evaluated: 2026-04-01. Review status: criteria provided, single submitter. Criteria: CeGaT Center For Human Genetics Tuebingen Variant Classification Criteria Version 2. Collection method: clinical testing. Allele origin: germline. Affected: yes. Observed: 1 variant allele.
Comment: HERC1: PM2

NM_003922.4(HERC1):c.8294G>A (p.Arg2765Gln)

Gene: HERC1 (HECT and RLD domain containing E3 ubiquitin protein ligase family member 1; minus strand). Cytogenetic location: 15q22.31.
Variant type: single nucleotide variant.
Coding change: c.8294G>A on transcript NM_003922.4 (MANE Select); coding-DNA position 8294, G replaced by A.
Protein change: p.Arg2765Gln; replaces arginine 2765 with glutamine.
Molecular consequence: missense variant.
Genome position (GRCh38, 1-based): chr15:63,666,385, C>T on the plus strand (G>A on the coding strand, the complement: HERC1 is on the minus strand). VCF-style: chr15-63666385-C-T. GRCh37 (hg19) VCF-style: chr15-63958584-C-T.
Other names: short protein forms R2765Q.
Identifiers: ClinVar variation 4873573 (VCV004873573.2).
Genomic context (GRCh38, chr15:63,666,385, plus strand): 5'-GTATACACTGATATATAAAAACTTATCCTACCTGTAGCTTCCATGGCTTTGGCAATCTGC[C>T]GAAGAGAGAACCCCATTTCCAGCAAGGGAACTGCAATTGCTGGAGGAGGAGGAGAAGTTG-3'
Protein context (NP_003913.3, residues 2755-2775): VPLLEMGFSL[Arg2765Gln]QIAKAMEATG